The following is an entry in ClinVar:

NM_003923.3(FOXH1):c.269G>A (p.Cys90Tyr)

Gene: FOXH1 (forkhead box H1; minus strand). Cytogenetic location: 8q24.3.
Variant type: single nucleotide variant.
Coding change: c.269G>A on transcript NM_003923.3 (MANE Select); coding-DNA position 269, G replaced by A.
Protein change: p.Cys90Tyr; replaces cysteine 90 with tyrosine.
Molecular consequence: missense variant.
Genome position (GRCh38, 1-based): chr8:144,475,167, C>T on the plus strand (G>A on the coding strand, the complement: FOXH1 is on the minus strand). VCF-style: chr8-144475167-C-T. GRCh37 (hg19) VCF-style: chr8-145700550-C-T.
Other names: short protein forms C90Y.
Identifiers: ClinVar variation 2573910 (VCV002573910.2), dbSNP rs1162544138, ClinGen allele CA372725570.

ClinVar aggregate classification (germline): Uncertain significance (1 of 4 stars; one submission).

Allele frequency attached by ClinVar (database versions not stated): gnomAD exomes below 0.00001.
gnomAD v4.1: 1 of 1,613,454 alleles (0.000062%); highest among the groups gnomAD compares: Non-Finnish European, 0.000085%; no homozygotes.

Submission:

GeneDx
Classification: Uncertain significance. Last evaluated: 2025-03-25. Review status: criteria provided, single submitter. Criteria: GeneDx Variant Classification Process June 2021. Collection method: clinical testing. Allele origin: germline.
Comment: Not observed at significant frequency in large population cohorts (gnomAD); In silico analysis supports that this missense variant has a deleterious effect on protein structure/function; Has not been previously published as pathogenic or benign to our knowledge